The following is an entry in ClinVar:

ClinVar aggregate classification (germline): Likely pathogenic (1 of 4 stars; one submission).

Conditions:
Hypertrophic cardiomyopathy. Also called: HYPERTROPHIC MYOCARDIOPATHY. Identifiers: Orphanet 217569, MedGen C0007194, MeSH D002312, MONDO:0005045, HP:0001639.

Submission:

Laboratory for Molecular Medicine, Mass General Brigham Personalized Medicine
Classification: Likely pathogenic for Hypertrophic cardiomyopathy. Last evaluated: 2017-12-15. Review status: criteria provided, single submitter. Criteria: LMM Criteria. Collection method: clinical testing. Allele origin: germline. Inheritance: Autosomal dominant inheritance. Observed: 2 variant alleles.
Comment: p.Arg169Ser, c.507A>T (MYH7; NM_000257.2; Chr14g.23901711T>A; GRCh37): The p.Arg 169Ser variant in MYH7 has not been previously reported in individuals with HCM and was absent from large population studies. Arginine (Arg) at position 169 is highly conserved in mammals and across evolutionarily distant species and the ch ange to Serine (Ser) was predicted to be pathogenic using a computational tool c linically validated by our laboratory. This tool's pathogenic prediction is esti mated to be correct 94% of the time (Jordan 2011). Of note, this variant lies in the head region of the protein. Missense variants in this region have been repo rted and statistically indicated to be more likely to cause disease (Walsh 2016) . In addition, two other amino acid substitutions involving this codon, p.Arg169 Gly and p.Arg169Lys, have also been identified in affected individuals (Maron 20 09, LMM data). In summary, although additional studies are required to fully est ablish its clinical significance, the p.Arg169Ser variant is likely pathogenic. ACMG/AMP Criteria applied: PM1, PM2, PM5, PP3.

Literature cited by the submitters: PubMed 19843903; PubMed 27247418.

NM_000257.4(MYH7):c.507A>T (p.Arg169Ser)

Gene: MYH7 (myosin heavy chain 7; minus strand). Cytogenetic location: 14q11.2.
Variant type: single nucleotide variant.
Coding change: c.507A>T on transcript NM_000257.4 (MANE Select); coding-DNA position 507, A replaced by T.
Protein change: p.Arg169Ser; replaces arginine 169 with serine.
Molecular consequence: missense variant.
Genome position (GRCh38, 1-based): chr14:23,432,502, T>A on the plus strand (A>T on the coding strand, the complement: MYH7 is on the minus strand). VCF-style: chr14-23432502-T-A. GRCh37 (hg19) VCF-style: chr14-23901711-T-A.
Other names: short protein forms R169S.
Identifiers: ClinVar variation 43055 (VCV000043055.5), dbSNP rs397516238, ClinGen allele CA015652.